The following is an entry in ClinVar:

ClinVar aggregate classification (germline): Uncertain significance (1 of 4 stars; one submission).

Allele frequency attached by ClinVar (database versions not stated): gnomAD 0.00001; ExAC 0.00003; TOPMed 0.00003.
gnomAD v4.1: 13 of 1,194,073 alleles (0.0011%); highest among the groups gnomAD compares: Non-Finnish European, 0.00091%; no homozygotes.

Submission:

Labcorp Genetics (formerly Invitae), Labcorp
Classification: Uncertain significance. Last evaluated: 2023-05-31. Review status: criteria provided, single submitter. Criteria: Invitae Variant Classification Sherloc (09022015). Collection method: clinical testing. Allele origin: germline.
Comment: An algorithm developed to predict the effect of missense changes on protein structure and function (PolyPhen-2) suggests that this variant is likely to be disruptive. In summary, the available evidence is currently insufficient to determine the role of this variant in disease. Therefore, it has been classified as a Variant of Uncertain Significance. This variant has not been reported in the literature in individuals affected with PIH1D3-related conditions. This variant is present in population databases (rs766867436, gnomAD 0.06%). This sequence change replaces proline, which is neutral and non-polar, with glutamine, which is neutral and polar, at codon 68 of the PIH1D3 protein (p.Pro68Gln).

NM_173494.2(DNAAF6):c.203C>A (p.Pro68Gln)

Gene: DNAAF6 (dynein axonemal assembly factor 6; plus strand). Cytogenetic location: Xq22.3.
Variant type: single nucleotide variant.
Coding change: c.203C>A on transcript NM_173494.2 (MANE Select); coding-DNA position 203, C replaced by A.
Protein change: p.Pro68Gln; replaces proline 68 with glutamine.
Molecular consequence: missense variant.
Genome position (GRCh38, 1-based): chrX:107,216,720, C>A. VCF-style: chrX-107216720-C-A. GRCh37 (hg19) VCF-style: chrX-106459950-C-A.
Other names: c.203C>A, p.Pro68Gln (NM_001169154.2); short protein forms P68Q.
Identifiers: ClinVar variation 2962848 (VCV002962848.3), dbSNP rs766867436, ClinGen allele CA10484625.